The following is an entry in ClinVar:

ClinVar aggregate classification (germline): Uncertain significance (1 of 4 stars; one submission).

gnomAD v4.1: 22 of 1,613,386 alleles (0.0014%); highest among the groups gnomAD compares: Admixed American, 0.005%; no homozygotes.

Submission:

CeGaT Center for Human Genetics Tuebingen
Classification: Uncertain significance. Last evaluated: 2026-01-01. Review status: criteria provided, single submitter. Criteria: CeGaT Center For Human Genetics Tuebingen Variant Classification Criteria Version 2. Collection method: clinical testing. Allele origin: germline. Affected: yes. Observed: 1 variant allele.
Comment: RANBP2: PP2, BP4

NM_006267.5(RANBP2):c.9626A>G (p.Lys3209Arg)

Gene: RANBP2 (RAN binding protein 2; plus strand). Cytogenetic location: 2q13.
Variant type: single nucleotide variant.
Coding change: c.9626A>G on transcript NM_006267.5 (MANE Select); coding-DNA position 9626, A replaced by G.
Protein change: p.Lys3209Arg; replaces lysine 3209 with arginine.
Molecular consequence: missense variant.
Genome position (GRCh38, 1-based): chr2:108,783,852, A>G. VCF-style: chr2-108783852-A-G. GRCh37 (hg19) VCF-style: chr2-109400308-A-G.
Other names: c.9704A>G, p.Lys3235Arg (NM_001415871.1); c.9623A>G, p.Lys3208Arg (NM_001415872.1); c.9650A>G, p.Lys3217Arg (NM_001415873.1); short protein forms K3208R, K3209R, K3217R, K3235R.
Identifiers: ClinVar variation 4822186 (VCV004822186.4).